The following is an entry in ClinVar:

ClinVar aggregate classification (germline): Pathogenic (1 of 4 stars; one submission).

Submission:

Labcorp Genetics (formerly Invitae), Labcorp
Classification: Pathogenic. Last evaluated: 2024-10-23. Review status: criteria provided, single submitter. Criteria: Invitae Variant Classification Sherloc (09022015). Collection method: clinical testing. Allele origin: germline.
Comment: This sequence change creates a premature translational stop signal (p.Gln180*) in the RORB gene. It is expected to result in an absent or disrupted protein product. Loss-of-function variants in RORB are known to be pathogenic (PMID: 27352968, 32162308, 38165337). This variant is not present in population databases (gnomAD no frequency). This variant has not been reported in the literature in individuals affected with RORB-related conditions. Algorithms developed to predict the effect of sequence changes on RNA splicing suggest that this variant may disrupt the consensus splice site. For these reasons, this variant has been classified as Pathogenic.

Literature cited by the submitters: PubMed 27352968; PubMed 32162308; PubMed 38165337.

NM_006914.4(RORB):c.538C>T (p.Gln180Ter)

Gene: RORB (RAR related orphan receptor B; plus strand). Cytogenetic location: 9q21.13.
Variant type: single nucleotide variant.
Coding change: c.538C>T on transcript NM_006914.4 (MANE Select); coding-DNA position 538, C replaced by T.
Protein change: p.Gln180Ter; replaces glutamine 180 with a stop codon.
Molecular consequence: nonsense.
Genome position (GRCh38, 1-based): chr9:74,642,716, C>T. VCF-style: chr9-74642716-C-T. GRCh37 (hg19) VCF-style: chr9-77257632-C-T.
Other names: c.571C>T, p.Gln191Ter (NM_001365023.1); short protein forms Q180*, Q191*.
Identifiers: ClinVar variation 2810239 (VCV002810239.3), dbSNP rs2489584226, ClinGen allele CA373770080.